The following is an entry in ClinVar:

NM_000361.3(THBD):c.1443C>T (p.Asp481=)

Gene: THBD (thrombomodulin; minus strand). Cytogenetic location: 20p11.21.
Variant type: single nucleotide variant.
Coding change: c.1443C>T on transcript NM_000361.3 (MANE Select); coding-DNA position 1443, C replaced by T.
Protein change: p.Asp481=; no amino-acid change (aspartic acid 481 retained).
Molecular consequence: synonymous variant.
Genome position (GRCh38, 1-based): chr20:23,048,062, G>A on the plus strand (C>T on the coding strand, the complement: THBD is on the minus strand). VCF-style: chr20-23048062-G-A. GRCh37 (hg19) VCF-style: chr20-23028699-G-A.
Identifiers: ClinVar variation 4728371 (VCV004728371.1).

ClinVar aggregate classification (germline): Uncertain significance (1 of 4 stars; one submission).

Submission:

Labcorp Genetics (formerly Invitae), Labcorp
Classification: Uncertain significance. Last evaluated: 2025-10-09. Review status: criteria provided, single submitter. Criteria: Invitae Variant Classification Sherloc (09022015). Collection method: clinical testing. Allele origin: germline.
Comment: This sequence change affects codon 481 of the THBD mRNA. It is a 'silent' change, meaning that it does not change the encoded amino acid sequence of the THBD protein. This variant is not present in population databases (gnomAD no frequency). This variant has not been reported in the literature in individuals affected with THBD-related conditions. In summary, the available evidence is currently insufficient to determine the role of this variant in disease. Therefore, it has been classified as a Variant of Uncertain Significance.